The following is an entry in ClinVar:

ClinVar aggregate classification (germline): Uncertain significance (0 of 4 stars; one submission).

Conditions:
SKI-related disorder. Also called: SKI-related condition.

Submission:

PreventionGenetics, part of Exact Sciences
Classification: Uncertain significance for SKI-related condition. Last evaluated: 2024-06-27. Review status: no assertion criteria provided. Collection method: clinical testing. Allele origin: germline.
Comment: The SKI c.1577C>G variant is predicted to result in the amino acid substitution p.Pro526Arg. To our knowledge, this variant has not been reported in the literature or in a large population database, indicating this variant is rare. At this time, the clinical significance of this variant is uncertain due to the absence of conclusive functional and genetic evidence.

NM_003036.4(SKI):c.1577C>G (p.Pro526Arg)

Gene: SKI (SKI proto-oncogene; plus strand). Cytogenetic location: 1p36.32.
Variant type: single nucleotide variant.
Coding change: c.1577C>G on transcript NM_003036.4 (MANE Select); coding-DNA position 1577, C replaced by G.
Protein change: p.Pro526Arg; replaces proline 526 with arginine.
Molecular consequence: missense variant.
Genome position (GRCh38, 1-based): chr1:2,304,395, C>G. VCF-style: chr1-2304395-C-G. GRCh37 (hg19) VCF-style: chr1-2235834-C-G.
Other names: short protein forms P526R.
Identifiers: ClinVar variation 2636957 (VCV002636957.2), dbSNP rs2521492982, ClinGen allele CA337957301.